The following is an entry in ClinVar:

ClinVar aggregate classification (germline): Uncertain significance. Review status: criteria provided, multiple submitters, no conflicts (2 of 4 stars). 2 submissions from 2 submitters: Uncertain significance (2). Last evaluated 2024-09-04.

Conditions:
Fanconi anemia (FA). Also called: Fanconi's anemia. Identifiers: Orphanet 84, MedGen C0015625, MeSH D005199, MONDO:0019391.
Fanconi anemia complementation group I (FANCI). Also called: FANCI-Related Fanconi Anemia. Identifiers: Orphanet 84, MedGen C1836861, MONDO:0012186, OMIM 609053.

Submissions (2):

Labcorp Genetics (formerly Invitae), Labcorp
Classification: Uncertain significance for Fanconi anemia. Last evaluated: 2024-09-04. Review status: criteria provided, single submitter. Criteria: Invitae Variant Classification Sherloc (09022015). Collection method: clinical testing. Allele origin: germline.
Comment: This sequence change replaces glycine, which is neutral and non-polar, with glutamic acid, which is acidic and polar, at codon 299 of the FANCI protein (p.Gly299Glu). This variant is not present in population databases (gnomAD no frequency). This variant has not been reported in the literature in individuals affected with FANCI-related conditions. ClinVar contains an entry for this variant (Variation ID: 1025935). An algorithm developed to predict the effect of missense changes on protein structure and function (PolyPhen-2) suggests that this variant is likely to be tolerated. In summary, the available evidence is currently insufficient to determine the role of this variant in disease. Therefore, it has been classified as a Variant of Uncertain Significance.

Fulgent Genetics
Classification: Uncertain significance for Fanconi anemia complementation group I. Last evaluated: 2024-01-08. Review status: criteria provided, single submitter. Criteria: ACMG Guidelines, 2015. Collection method: clinical testing. Allele origin: germline.

NM_001113378.2(FANCI):c.896G>A (p.Gly299Glu)

Gene: FANCI (FA complementation group I; plus strand). Cytogenetic location: 15q26.1.
Variant type: single nucleotide variant.
Coding change: c.896G>A on transcript NM_001113378.2 (MANE Select); coding-DNA position 896, G replaced by A.
Protein change: p.Gly299Glu; replaces glycine 299 with glutamic acid.
Molecular consequence: missense variant.
Genome position (GRCh38, 1-based): chr15:89,273,390, G>A. VCF-style: chr15-89273390-G-A. GRCh37 (hg19) VCF-style: chr15-89816621-G-A.
Other names: c.617G>A, p.Gly206Glu (NM_001376910.1); c.896G>A, p.Gly299Glu (NM_001376911.1, NM_018193.3); short protein forms G206E, G299E.
Identifiers: ClinVar variation 1025935 (VCV001025935.9), dbSNP rs2053277582, ClinGen allele CA393741307.